The following is an entry in ClinVar:

ClinVar aggregate classification (germline): Uncertain significance (1 of 4 stars; one submission).

gnomAD v4.1: 1 of 1,614,100 alleles (0.000062%); highest among the groups gnomAD compares: Non-Finnish European, 0.000085%; no homozygotes.

Submission:

GeneDx
Classification: Uncertain significance. Last evaluated: 2026-01-22. Review status: criteria provided, single submitter. Criteria: GeneDx Variant Classification Process June 2021. Collection method: clinical testing. Allele origin: germline.
Comment: Not observed at significant frequency in large population cohorts (gnomAD); In silico analysis supports that this missense variant has a deleterious effect on protein structure/function; Has not been previously published as pathogenic or benign to our knowledge

NM_001991.5(EZH1):c.772C>G (p.Arg258Gly)

Gene: EZH1 (enhancer of zeste 1 polycomb repressive complex 2 subunit; minus strand). Cytogenetic location: 17q21.2.
Variant type: single nucleotide variant.
Coding change: c.772C>G on transcript NM_001991.5 (MANE Select); coding-DNA position 772, C replaced by G.
Protein change: p.Arg258Gly; replaces arginine 258 with glycine.
Molecular consequence: missense variant.
Genome position (GRCh38, 1-based): chr17:42,718,613, G>C on the plus strand (C>G on the coding strand, the complement: EZH1 is on the minus strand). VCF-style: chr17-42718613-G-C. GRCh37 (hg19) VCF-style: chr17-40870631-G-C.
Other names: c.790C>G, p.Arg264Gly (NM_001321079.2); c.745C>G, p.Arg249Gly (NM_001321081.2); c.652C>G, p.Arg218Gly (NM_001321082.2); short protein forms R218G, R249G, R258G, R264G.
Identifiers: ClinVar variation 4975365 (VCV004975365.1).